The following is an entry in ClinVar:

ClinVar aggregate classification (germline): Likely pathogenic (1 of 4 stars; one submission).

Conditions:
Hereditary acrodermatitis enteropathica (AEZ). Also called: Acrodermatitis enteropathica. Identifiers: Orphanet 37, MedGen C0221036, MONDO:0008713, OMIM 201100.

Submission:

Natera, Inc.
Classification: Likely pathogenic for Acrodermatitis enteropathica. Last evaluated: 2025-06-20. Review status: criteria provided, single submitter. Criteria: Natera Variant Classification Schema (03/2026). Collection method: clinical testing. Allele origin: germline.
Comment: The c.943_944delinsA variant in SLC39A4 is a frameshift variant predicted to shift the reading frame beginning at codon 315 and leads to a stop codon 34 codons downstream. This variant is expected to result in nonsense mediated decay, truncation, or a dysfunctional protein product. This variant is rare in the general population with a frequency below the threshold expected for the associated phenotype(s). Given the available evidence, this variant is classified as Likely Pathogenic.

NM_130849.4(SLC39A4):c.943_944delinsA (p.Pro315fs)

Gene: SLC39A4 (solute carrier family 39 member 4; minus strand). Cytogenetic location: 8q24.3.
Variant type: Indel.
Coding change: c.943_944delinsA on transcript NM_130849.4 (MANE Select); coding-DNA positions 943 to 944, CC replaced by A.
Protein change: p.Pro315fs; shifts the reading frame from proline 315.
Molecular consequence: frameshift variant.
Genome position (GRCh38, 1-based): chr8:144,414,757-144,414,758, GG replaced by T on the plus strand (CC replaced by A on the coding strand, the reverse complement: SLC39A4 is on the minus strand). VCF-style: chr8-144414757-GG-T. GRCh37 (hg19) VCF-style: chr8-145640141-GG-T.
Other names: c.868_869delinsA, p.Pro290fs (NM_017767.3); c.661_662delinsA, p.Pro221fs (NM_001374839.1); short protein forms P221fs, P290fs, P315fs.
Identifiers: ClinVar variation 4816473 (VCV004816473.1).
Genomic context (GRCh38, chr8:144,414,757, plus strand): 5'-CCAGCACAATGTCGGCGTGGGCACTCACTCTCTGACTGGCTGAGCTGGTCCTGGACGGGG[GG>T]CCTGGACTGGGAGGTGCAGGCTCCACTCAGCTGCTGTTGGAGCAGGGCAGGGCTCAGTTG-3'